The following is an entry in ClinVar:

NM_000516.7(GNAS):c.257+4G>A

Gene: GNAS (GNAS complex locus; plus strand). Cytogenetic location: 20q13.32.
Variant type: single nucleotide variant.
Coding change: c.257+4G>A on transcript NM_000516.7 (MANE Select); 4 bases into the intron after coding-DNA position 257, G replaced by A.
Molecular consequence: intron variant.
Genome position (GRCh38, 1-based): chr20:58,898,989, G>A. VCF-style: chr20-58898989-G-A. GRCh37 (hg19) VCF-style: chr20-57474044-G-A.
Other names: c.*160+4G>A (NM_016592.5); c.161+4G>A (NM_001410912.1); c.80+4G>A (NM_001309861.2, NM_001309840.2); c.*118+4G>A (NM_001077490.3); c.2186+4G>A (NM_080425.4); c.2141+3305G>A (NM_001410913.1); c.*276+4G>A (NM_001309883.1); c.257+4G>A (NM_001077488.5, NM_001309842.2); and 1 more.
Identifiers: ClinVar variation 2973579 (VCV002973579.3), dbSNP rs1426847315, ClinGen allele CA636225706.
Genomic context (GRCh38, chr20:58,898,989, plus strand): 5'-TCTCTTTAAAAGGGGCGGCGAAGAGGACCCGCAGGCTGCAAGGAGCAACAGCGATGGGTA[G>A]GCACATTCAAAACCAGAAAAAATTGTTAACAAACCAAACAAACATGAAGATCATACTGGG-3'

ClinVar aggregate classification (germline): Uncertain significance (1 of 4 stars; one submission).

Allele frequency attached by ClinVar (database versions not stated): TOPMed 0.00001; gnomAD 0.00002.

Submission:

Labcorp Genetics (formerly Invitae), Labcorp
Classification: Uncertain significance. Last evaluated: 2023-07-31. Review status: criteria provided, single submitter. Criteria: Invitae Variant Classification Sherloc (09022015). Collection method: clinical testing. Allele origin: germline.
Comment: Variants that disrupt the consensus splice site are a relatively common cause of aberrant splicing (PMID: 17576681, 9536098). Algorithms developed to predict the effect of sequence changes on RNA splicing suggest that this variant may create or strengthen a splice site. This variant has not been reported in the literature in individuals affected with GNAS-related conditions. This variant is present in population databases (no rsID available, gnomAD 0.01%). This sequence change falls in intron 3 of the GNAS gene. It does not directly change the encoded amino acid sequence of the GNAS protein. It affects a nucleotide within the consensus splice site. In summary, the available evidence is currently insufficient to determine the role of this variant in disease. Therefore, it has been classified as a Variant of Uncertain Significance.

Literature cited by the submitters: PubMed 17576681; PubMed 9536098.